The following is an entry in ClinVar:

NM_015450.3(POT1):c.58G>C (p.Gly20Arg)

Gene: POT1 (protection of telomeres 1; minus strand). Cytogenetic location: 7q31.33.
Variant type: single nucleotide variant.
Coding change: c.58G>C on transcript NM_015450.3 (MANE Select); coding-DNA position 58, G replaced by C.
Protein change: p.Gly20Arg; replaces glycine 20 with arginine.
Molecular consequence: missense variant. On other transcripts: 5 prime UTR variant (1), non-coding transcript variant (3).
Genome position (GRCh38, 1-based): chr7:124,892,332, C>G on the plus strand (G>C on the coding strand, the complement: POT1 is on the minus strand). VCF-style: chr7-124892332-C-G. GRCh37 (hg19) VCF-style: chr7-124532386-C-G.
Other names: c.58G>C (NM_015450.2); c.-205G>C (NM_001042594.2); short protein forms G20R.
Identifiers: ClinVar variation 2115670 (VCV002115670.5), dbSNP rs1796391890, ClinGen allele CA369066160.

ClinVar aggregate classification (germline): Uncertain significance. Review status: criteria provided, multiple submitters, no conflicts (2 of 4 stars). 2 submissions from 2 submitters: Uncertain significance (2). Last evaluated 2025-04-18.

Conditions:
Hereditary cancer-predisposing syndrome. Also called: Neoplastic Syndromes, Hereditary; Tumor predisposition; Hereditary Cancer Syndrome; Hereditary neoplastic syndrome. Identifiers: Orphanet 140162, MedGen C0027672, MeSH D009386, MONDO:0015356.
Tumor predisposition syndrome 3 (TPDS3). Also called: Melanoma, cutaneous malignant, susceptibility to, 10; Glioma susceptibility 9; LONG TELOMERE SYNDROME, POT1-RELATED; POT1 Tumor Predisposition. Identifiers: Orphanet 618, MedGen C4014476, MONDO:0014368, OMIM 615848.

Submissions (2):

Ambry Genetics
Classification: Uncertain significance for Hereditary cancer-predisposing syndrome. Last evaluated: 2025-04-18. Review status: criteria provided, single submitter. Criteria: Ambry Variant Classification Scheme 2023. Collection method: clinical testing. Allele origin: germline.
Comment: The p.G20R variant (also known as c.58G>C), located in coding exon 2 of the POT1 gene, results from a G to C substitution at nucleotide position 58. The glycine at codon 20 is replaced by arginine, an amino acid with dissimilar properties. This amino acid position is conserved. In addition, the in silico prediction for this alteration is inconclusive. Based on the available evidence, the clinical significance of this variant remains unclear.

Labcorp Genetics (formerly Invitae), Labcorp
Classification: Uncertain significance for Tumor predisposition syndrome 3. Last evaluated: 2022-03-21. Review status: criteria provided, single submitter. Criteria: Invitae Variant Classification Sherloc (09022015). Collection method: clinical testing. Allele origin: germline.
Comment: In summary, the available evidence is currently insufficient to determine the role of this variant in disease. Therefore, it has been classified as a Variant of Uncertain Significance. Algorithms developed to predict the effect of missense changes on protein structure and function are either unavailable or do not agree on the potential impact of this missense change (SIFT: "Deleterious"; PolyPhen-2: "Possibly Damaging"; Align-GVGD: "Class C15"). This variant has not been reported in the literature in individuals affected with POT1-related conditions. This variant is not present in population databases (gnomAD no frequency). This sequence change replaces glycine, which is neutral and non-polar, with arginine, which is basic and polar, at codon 20 of the POT1 protein (p.Gly20Arg).